The following is an entry in ClinVar:

ClinVar aggregate classification (germline): Pathogenic (1 of 4 stars; one submission).

Submission:

Labcorp Genetics (formerly Invitae), Labcorp
Classification: Pathogenic. Last evaluated: 2019-11-04. Review status: criteria provided, single submitter. Criteria: Invitae Variant Classification Sherloc (09022015). Collection method: clinical testing. Allele origin: germline.
Comment: This variant is an out-of-frame deletion of the genomic region encompassing exon 4 of the USH2A gene. This is expected to create a premature translational stop signal and result in an absent or disrupted protein product. This variant has been observed in individual(s) with Usher syndrome (PMID: 27460420). Loss-of-function variants in USH2A are known to be pathogenic (PMID: 10729113, 10909849, 20507924, 25649381). For these reasons, this variant has been classified as Pathogenic.

Literature cited by the submitters: PubMed 27460420.

NC_000001.11:g.(?_216364953)_(216365085_?)del

Gene: USH2A (usherin; minus strand). Cytogenetic location: 1q41.
Variant type: Deletion.
Identifiers: ClinVar variation 831966 (VCV000831966.1).